The following is an entry in ClinVar:

ClinVar aggregate classification (germline): Uncertain significance (1 of 4 stars; one submission).

Conditions:
Hereditary cancer-predisposing syndrome. Also called: Neoplastic Syndromes, Hereditary; Tumor predisposition; Hereditary Cancer Syndrome; Hereditary neoplastic syndrome. Identifiers: Orphanet 140162, MedGen C0027672, MeSH D009386, MONDO:0015356.

Submission:

Labcorp Genetics (formerly Invitae), Labcorp
Classification: Uncertain significance for Hereditary cancer-predisposing syndrome. Last evaluated: 2022-06-14. Review status: criteria provided, single submitter. Criteria: Invitae Variant Classification Sherloc (09022015). Collection method: clinical testing. Allele origin: germline.
Comment: Experimental studies and prediction algorithms are not available or were not evaluated, and the functional significance of this variant is currently unknown. In summary, the available evidence is currently insufficient to determine the role of this variant in disease. Therefore, it has been classified as a Variant of Uncertain Significance. This variant is present in population databases (no rsID available, gnomAD 0.06%). This variant, c.2920_2922del, results in the deletion of 1 amino acid(s) of the RAD50 protein (p.Lys974del), but otherwise preserves the integrity of the reading frame. This variant has not been reported in the literature in individuals affected with RAD50-related conditions. ClinVar contains an entry for this variant (Variation ID: 527331).

NM_005732.4(RAD50):c.2917AAG[1] (p.Lys974del)

Gene: RAD50 (RAD50 double strand break repair protein; plus strand). Cytogenetic location: 5q31.1.
Variant type: Microsatellite.
Coding change: c.2917AAG[1] on transcript NM_005732.4 (MANE Select); one copy of the 3-base unit AAG starting at c.2917; the reference has two copies in a row; one copy, 3 bases deleted.
Protein change: p.Lys974del; deletes lysine 974.
Molecular consequence: inframe deletion.
Genome position (GRCh38, 1-based): chr5:132,609,207-132,609,209, AAG deleted; deleting any 3 consecutive bases within chr5:132,609,204-132,609,209 gives the same sequence; the position shown is the placement nearest the transcript's 3' end. VCF-style (leftmost placement, unchanged base first): chr5-132609203-TAAG-T. GRCh37 (hg19) VCF-style: chr5-131944895-TAAG-T.
Other names: short protein forms K974del.
Identifiers: ClinVar variation 527331 (VCV000527331.9), dbSNP rs1319638903, ClinGen allele CA563057415.